The following is an entry in ClinVar:

NM_031935.3(HMCN1):c.16114C>T (p.Leu5372Phe)

Gene: HMCN1 (hemicentin 1; plus strand). Cytogenetic location: 1q31.1.
Variant type: single nucleotide variant.
Coding change: c.16114C>T on transcript NM_031935.3 (MANE Select); coding-DNA position 16114, C replaced by T.
Protein change: p.Leu5372Phe; replaces leucine 5372 with phenylalanine.
Molecular consequence: missense variant.
Genome position (GRCh38, 1-based): chr1:186,178,586, C>T. VCF-style: chr1-186178586-C-T. GRCh37 (hg19) VCF-style: chr1-186147718-C-T.
Other names: short protein forms L5372F.
Identifiers: ClinVar variation 2148792 (VCV002148792.4), dbSNP rs374498435, ClinGen allele CA1295475.

ClinVar aggregate classification (germline): Uncertain significance (1 of 4 stars; one submission).

Allele frequency attached by ClinVar (database versions not stated): ExAC 0.00003; gnomAD 0.00005; ESP Exome Variant Server 0.00008; TOPMed 0.00011; gnomAD exomes 0.00016.
gnomAD v4.1: 235 of 1,614,004 alleles (0.015%); highest among the groups gnomAD compares: Non-Finnish European, 0.019%; no homozygotes.

Submission:

Labcorp Genetics (formerly Invitae), Labcorp
Classification: Uncertain significance. Last evaluated: 2025-10-17. Review status: criteria provided, single submitter. Criteria: Invitae Variant Classification Sherloc (09022015). Collection method: clinical testing. Allele origin: germline.
Comment: This sequence change replaces leucine, which is neutral and non-polar, with phenylalanine, which is neutral and non-polar, at codon 5372 of the HMCN1 protein (p.Leu5372Phe). This variant is present in population databases (rs374498435, gnomAD 0.01%). This missense change has been observed in individual(s) with macular degeneration (PMID: 15370542). ClinVar contains an entry for this variant (Variation ID: 2148792). An algorithm developed to predict the effect of missense changes on protein structure and function (PolyPhen-2) suggests that this variant is likely to be tolerated. In summary, the available evidence is currently insufficient to determine the role of this variant in disease. Therefore, it has been classified as a Variant of Uncertain Significance.

Literature cited by the submitters: PubMed 15370542.